The following is an entry in ClinVar:

ClinVar aggregate classification (germline): Likely benign. Review status: criteria provided, multiple submitters, no conflicts (2 of 4 stars). 7 submissions from 7 submitters: Likely benign (7). Last evaluated 2025-12-13.

Conditions:
Cardiovascular phenotype. Identifiers: MedGen CN230736.
MYH6-related disorder. Also called: MYH6-Related Disorders; MYH6-related condition.
Hypertrophic cardiomyopathy 1 (CMH1). Also called: Familial hypertrophic cardiomyopathy 1; MYH7-Related Familial Hypertrophic Cardiomyopathy. Identifiers: MedGen C3495498, MONDO:0008647, OMIM 192600.
Dilated cardiomyopathy 1EE (CMD1EE). Identifiers: Orphanet 154, MedGen C2750466, MONDO:0013198, OMIM 613252.
Hypertrophic cardiomyopathy 14. Identifiers: MedGen C2750467, MONDO:0013197, OMIM 613251.
Atrial septal defect 3 (ASD3). Identifiers: Orphanet 1478, MedGen C3279790, MONDO:0013567, OMIM 614089.
Sick sinus syndrome 3, susceptibility to (SSS3). Identifiers: Orphanet 166282, MedGen C3279791, MONDO:0013568, OMIM 614090.
Cardiomyopathy (CMYO). Also called: Cardiomyopathies. Identifiers: Orphanet 167848, MedGen C0878544, MONDO:0004994, HP:0001638. Inheritance: Various modes of inheritance.

Allele frequency attached by ClinVar (database versions not stated): ExAC 0.00005; gnomAD exomes 0.00006 and 0.00010; TOPMed 0.00008; gnomAD 0.00010 and 0.00011.
gnomAD v4.1: 157 of 1,614,076 alleles (0.0097%); highest among the groups gnomAD compares: Middle Eastern, 0.016%; no homozygotes.

Submissions (7):

Labcorp Genetics (formerly Invitae), Labcorp
Classification: Likely benign for Hypertrophic cardiomyopathy 14. Last evaluated: 2025-12-13. Review status: criteria provided, single submitter. Criteria: Invitae Variant Classification Sherloc (09022015). Collection method: clinical testing. Allele origin: germline.

PreventionGenetics, part of Exact Sciences
Classification: Likely benign for MYH6-related condition. Last evaluated: 2025-03-29. Review status: criteria provided, single submitter. Criteria: ACMG Guidelines, 2015. Collection method: clinical testing. Allele origin: germline.
Comment: This variant is classified as likely benign based on ACMG/AMP sequence variant interpretation guidelines (Richards et al. 2015 PMID: 25741868, with internal and published modifications).

Blueprint Genetics
Classification: Likely benign. Last evaluated: 2024-11-14. Review status: criteria provided, single submitter. Criteria: ACMG Guidelines, 2015. Collection method: clinical testing. Allele origin: germline.

Fulgent Genetics
Classification: Likely benign for Hypertrophic cardiomyopathy 1; Hypertrophic cardiomyopathy 14; Dilated cardiomyopathy 1EE; Atrial septal defect 3; Sick sinus syndrome 3, susceptibility to. Last evaluated: 2021-11-02. Review status: criteria provided, single submitter. Criteria: ACMG Guidelines, 2015. Collection method: clinical testing. Allele origin: unknown.

Ambry Genetics
Classification: Likely benign for Cardiovascular phenotype. Last evaluated: 2020-11-12. Review status: criteria provided, single submitter. Criteria: Ambry Variant Classification Scheme 2023. Collection method: clinical testing. Allele origin: germline.

CHEO Genetics Diagnostic Laboratory, Children's Hospital of Eastern Ontario
Classification: Likely benign for Cardiomyopathy. Last evaluated: 2020-05-29. Review status: criteria provided, single submitter. Criteria: ACMG Guidelines, 2015. Collection method: clinical testing. Allele origin: germline. Study: Canadian Open Genetics Repository.

Laboratory for Molecular Medicine, Mass General Brigham Personalized Medicine
Classification: Likely benign. Last evaluated: 2015-02-26. Review status: criteria provided, single submitter. Criteria: LMM Criteria. Collection method: clinical testing. Allele origin: germline. Observed: 1 variant allele.
Comment: p.Asn935Asn in exon 22 of MYH6: This variant is not expected to have clinical si gnificance because it does not alter an amino acid residue and is not located wi thin the splice consensus sequence. It has been identified in 4/66740 European chromosomes by the Exome Aggregation Consortium (ExAC).

NM_002471.4(MYH6):c.2805C>T (p.Asn935=)

Gene: MYH6 (myosin heavy chain 6; minus strand). Cytogenetic location: 14q11.2.
Variant type: single nucleotide variant.
Coding change: c.2805C>T on transcript NM_002471.4 (MANE Select); coding-DNA position 2805, C replaced by T.
Protein change: p.Asn935=; no amino-acid change (asparagine 935 retained).
Molecular consequence: synonymous variant.
Genome position (GRCh38, 1-based): chr14:23,393,789, G>A on the plus strand (C>T on the coding strand, the complement: MYH6 is on the minus strand). VCF-style: chr14-23393789-G-A. GRCh37 (hg19) VCF-style: chr14-23862998-G-A.
Identifiers: ClinVar variation 227585 (VCV000227585.20), dbSNP rs757958461, ClinGen allele CA7115374.